The following is an entry in ClinVar:

NM_024735.5(FBXO31):c.322A>C (p.Arg108=)

Gene: FBXO31 (F-box protein 31; minus strand). Cytogenetic location: 16q24.2.
Variant type: single nucleotide variant.
Coding change: c.322A>C on transcript NM_024735.5 (MANE Select); coding-DNA position 322, A replaced by C.
Protein change: p.Arg108=; no amino-acid change (arginine 108 retained).
Molecular consequence: synonymous variant. On other transcripts: intron variant (1).
Genome position (GRCh38, 1-based): chr16:87,383,423, T>G on the plus strand (A>C on the coding strand, the complement: FBXO31 is on the minus strand). VCF-style: chr16-87383423-T-G. GRCh37 (hg19) VCF-style: chr16-87417029-T-G.
Other names: c.-177+6314A>C (NM_001282683.2).
Identifiers: ClinVar variation 730498 (VCV000730498.11), dbSNP rs144701197, ClinGen allele CA8219303.

ClinVar aggregate classification (germline): Likely benign. Review status: criteria provided, multiple submitters, no conflicts (2 of 4 stars). 5 submissions from 5 submitters: Likely benign (4). 1 of the submissions does not count toward it. Last evaluated 2024-11-13.

Conditions:
FBXO31-related disorder. Also called: FBXO31-related condition.

Allele frequency attached by ClinVar (database versions not stated): ESP Exome Variant Server 0.00023; TOPMed 0.00034; gnomAD exomes 0.00044; gnomAD 0.00054 and 0.00057; ExAC 0.00112.
gnomAD v4.1: 837 of 1,525,250 alleles (0.055%); highest among the groups gnomAD compares: Non-Finnish European, 0.067%; 1 homozygote.

Submissions (5):

Blueprint Genetics
Classification: Likely benign. Last evaluated: 2024-11-13. Review status: criteria provided, single submitter. Criteria: ACMG Guidelines, 2015. Collection method: clinical testing. Allele origin: germline.

Labcorp Genetics (formerly Invitae), Labcorp
Classification: Likely benign. Last evaluated: 2019-01-02. Review status: criteria provided, single submitter. Criteria: Invitae Variant Classification Sherloc (09022015). Collection method: clinical testing. Allele origin: germline.

Genetic Services Laboratory, University of Chicago
Classification: Likely benign. Last evaluated: 2017-11-07. Review status: criteria provided, single submitter. Criteria: ACMG Guidelines, 2015. Collection method: clinical testing. Allele origin: germline. Affected: no.

Breakthrough Genomics
Classification: Likely benign. Review status: criteria provided, single submitter. Criteria: ACMG Guidelines, 2015. Collection method: not provided. Allele origin: germline. Inheritance: Autosomal recessive inheritance. Affected: yes.

PreventionGenetics, part of Exact Sciences
Classification: Likely benign for FBXO31-related condition. Last evaluated: 2019-09-10. Review status: no assertion criteria provided. Collection method: clinical testing. Allele origin: germline. Not counted in ClinVar's aggregate classification.
Comment: This variant is classified as likely benign based on ACMG/AMP sequence variant interpretation guidelines (Richards et al. 2015 PMID: 25741868, with internal and published modifications).